The following is an entry in ClinVar:

NM_001271.4(CHD2):c.1702C>G (p.Leu568Val)

Gene: CHD2 (chromodomain helicase DNA binding protein 2; plus strand). Cytogenetic location: 15q26.1.
Variant type: single nucleotide variant.
Coding change: c.1702C>G on transcript NM_001271.4 (MANE Select); coding-DNA position 1702, C replaced by G.
Protein change: p.Leu568Val; replaces leucine 568 with valine.
Molecular consequence: missense variant.
Genome position (GRCh38, 1-based): chr15:92,953,556, C>G. VCF-style: chr15-92953556-C-G. GRCh37 (hg19) VCF-style: chr15-93496786-C-G.
Other names: short protein forms L568V.
Identifiers: ClinVar variation 2970317 (VCV002970317.3), dbSNP rs2505480327, ClinGen allele CA393905408.

ClinVar aggregate classification (germline): Uncertain significance (1 of 4 stars; one submission).

Conditions:
Developmental and epileptic encephalopathy 94 (DEE94). Also called: CHD2-Related Neurodevelopmental Disorders; Epileptic encephalopathy, childhood-onset. Identifiers: Orphanet 1942, Orphanet 2382, MedGen C3809278, MONDO:0014150, OMIM 615369.

Submission:

Labcorp Genetics (formerly Invitae), Labcorp
Classification: Uncertain significance for Developmental and epileptic encephalopathy 94. Last evaluated: 2025-09-24. Review status: criteria provided, single submitter. Criteria: Invitae Variant Classification Sherloc (09022015). Collection method: clinical testing. Allele origin: germline.
Comment: This sequence change replaces leucine, which is neutral and non-polar, with valine, which is neutral and non-polar, at codon 568 of the CHD2 protein (p.Leu568Val). This variant is not present in population databases (gnomAD no frequency). This variant has not been reported in the literature in individuals affected with CHD2-related conditions. ClinVar contains an entry for this variant (Variation ID: 2970317). Invitae Evidence Modeling of protein sequence and biophysical properties (such as structural, functional, and spatial information, amino acid conservation, physicochemical variation, residue mobility, and thermodynamic stability) indicates that this missense variant is not expected to disrupt CHD2 protein function with a negative predictive value of 95%. In summary, the available evidence is currently insufficient to determine the role of this variant in disease. Therefore, it has been classified as a Variant of Uncertain Significance.